The following is an entry in ClinVar:

NM_000540.3(RYR1):c.10170C>T (p.Gly3390=)

Gene: RYR1 (ryanodine receptor 1; plus strand). Cytogenetic location: 19q13.2.
Variant type: single nucleotide variant.
Coding change: c.10170C>T on transcript NM_000540.3 (MANE Select); coding-DNA position 10170, C replaced by T.
Protein change: p.Gly3390=; no amino-acid change (glycine 3390 retained).
Molecular consequence: synonymous variant.
Genome position (GRCh38, 1-based): chr19:38,519,365, C>T. VCF-style: chr19-38519365-C-T. GRCh37 (hg19) VCF-style: chr19-39010005-C-T.
Other names: c.10170C>T, p.Gly3390= (NM_001042723.2).
Identifiers: ClinVar variation 590361 (VCV000590361.9), dbSNP rs369239179, ClinGen allele CA052477.

ClinVar aggregate classification (germline): Conflicting classifications of pathogenicity. Review status: criteria provided, conflicting classifications (1 of 4 stars). 6 submissions from 6 submitters: Uncertain significance (2); Likely benign (4). Last evaluated 2025-08-01.

Conditions:
RYR1-related disorder. Also called: RYR1-related disorders; RYR1-related condition. Identifiers: MedGen CN239331.
Inborn genetic diseases. Identifiers: MedGen C0950123, MeSH D030342.
Malignant hyperthermia, susceptibility to, 1 (MHS1). Also called: Anesthesia related hyperthermia; Malignant hyperpyrexia; Fulminating hyperpyrexia; Pharmacogenic myopathy; RYR1-Related Malignant Hyperthermia Susceptibility; Malignant hyperthermia suceptibility 1. Identifiers: Orphanet 423, MedGen C2930980, MONDO:0007783, OMIM 145600.

Allele frequency attached by ClinVar (database versions not stated): gnomAD 0.00001 and 0.00004; gnomAD exomes 0.00005; TOPMed 0.00005; ExAC 0.00006; ESP Exome Variant Server 0.00008; 1000 Genomes Project 30x 0.00016; 1000 Genomes Project 0.00020.
gnomAD v4.1: 92 of 1,609,984 alleles (0.0057%); highest among the groups gnomAD compares: Non-Finnish European, 0.0069%; no homozygotes.

Submissions (6):

Ambry Genetics
Classification: Likely benign for Inborn genetic diseases. Last evaluated: 2025-08-01. Review status: criteria provided, single submitter. Criteria: Ambry Variant Classification Scheme 2023. Collection method: clinical testing. Allele origin: germline.

Labcorp Genetics (formerly Invitae), Labcorp
Classification: Likely benign for RYR1-related disorder. Last evaluated: 2025-04-18. Review status: criteria provided, single submitter. Criteria: Invitae Variant Classification Sherloc (09022015). Collection method: clinical testing. Allele origin: germline.

All of Us Research Program, National Institutes of Health
Classification: Likely benign for Malignant hyperthermia, susceptibility to, 1. Last evaluated: 2023-11-02. Review status: criteria provided, single submitter. Criteria: ACMG Guidelines, 2015. Collection method: clinical testing. Allele origin: germline. Inheritance: Autosomal dominant inheritance. Observed: 5 variant alleles, 5 heterozygotes.
Comment: This study involves interpretation of variants in research participants for the purpose of population health screening. Participant phenotype was not available at the time of variant classification. Additional details can be found in publication PMID: 35346344, PMCID: PMC8962531

Color Diagnostics, LLC DBA Color Health
Classification: Likely benign for Malignant hyperthermia, susceptibility to, 1. Last evaluated: 2022-12-07. Review status: criteria provided, single submitter. Criteria: ACMG Guidelines, 2015. Collection method: clinical testing. Allele origin: germline.

PreventionGenetics, part of Exact Sciences
Classification: Uncertain significance. Last evaluated: 2015-07-17. Review status: criteria provided, single submitter. Criteria: ACMG Guidelines, 2015. Collection method: clinical testing. Allele origin: germline.

Breakthrough Genomics
Classification: Uncertain significance. Review status: criteria provided, single submitter. Criteria: ACMG Guidelines, 2015. Collection method: not provided. Allele origin: germline. Inheritance: Autosomal dominant inheritance. Affected: yes.